The following is an entry in ClinVar:

NM_020791.4(TAOK1):c.2104C>T (p.Arg702Ter)

Gene: TAOK1 (TAO kinase 1; plus strand). Cytogenetic location: 17q11.2.
Variant type: single nucleotide variant.
Coding change: c.2104C>T on transcript NM_020791.4 (MANE Select); coding-DNA position 2104, C replaced by T.
Protein change: p.Arg702Ter; replaces arginine 702 with a stop codon.
Molecular consequence: nonsense. On other transcripts: intron variant (1).
Genome position (GRCh38, 1-based): chr17:29,522,475, C>T. VCF-style: chr17-29522475-C-T. GRCh37 (hg19) VCF-style: chr17-27849493-C-T.
Other names: c.2104C>T (NM_020791.2); c.1705-7932C>T (NM_025142.1); short protein forms R702*.
Identifiers: ClinVar variation 1176049 (VCV001176049.39), dbSNP rs1481295744, ClinGen allele CA398911776.

ClinVar aggregate classification (germline): Pathogenic/Likely pathogenic. Review status: criteria provided, multiple submitters, no conflicts (2 of 4 stars). 3 submissions from 3 submitters: Pathogenic (2); Likely pathogenic (1). Last evaluated 2023-07-31.

Conditions:
Developmental delay with or without intellectual impairment or behavioral abnormalities. Identifiers: MedGen C5562004, MONDO:0859199, OMIM 619575.
Inborn genetic diseases. Identifiers: MedGen C0950123, MeSH D030342.

Submissions (3):

3billion
Classification: Pathogenic for Developmental delay with or without intellectual impairment or behavioral abnormalities. Last evaluated: 2023-07-31. Review status: criteria provided, single submitter. Criteria: ACMG Guidelines, 2015. Collection method: clinical testing. Allele origin: germline. Affected: yes.
Comment: The variant is not observed in the gnomAD v2.1.1 dataset. Predicted Consequence/Location: Stop-gained (nonsense): predicted to result in a loss or disruption of normal protein function through nonsense-mediated decay (NMD) or protein truncation. Multiple pathogenic variants are reported downstream of the variant. The variant has been reported at least twice as pathogenic without evidence for the classification (ClinVar ID: VCV001176049 /PMID: 33565190). Therefore, this variant is classified as Pathogenic according to the recommendation of ACMG/AMP guideline.

Ambry Genetics
Classification: Pathogenic for Inborn genetic diseases. Last evaluated: 2021-07-14. Review status: criteria provided, single submitter. Criteria: Ambry Variant Classification Scheme 2023. Collection method: clinical testing. Allele origin: germline.
Comment: The c.2104C>T (p.R702*) alteration, located in exon 17 (coding exon 16) of the TAOK1 gene, consists of a C to T substitution at nucleotide position 2104. This changes the amino acid from a arginine (R) to a stop codon at amino acid position 702. This alteration is expected to result in loss of function by premature protein truncation or nonsense-mediated mRNA decay. Based on data from the Genome Aggregation Database (gnomAD), the TAOK1 c.2104C>T alteration was not observed, with coverage at this position. This alteration has been identified as heterozygous in an individual with a neurodevelopmental disorder characterized by intellectual disability, behavioral problems, hypotonia, growth abnormalities, and feeding difficulties in infancy (van Woerden, 2021). Based on the available evidence, this alteration is classified as pathogenic.

CeGaT Center for Human Genetics Tuebingen
Classification: Likely pathogenic. Last evaluated: 2021-06-01. Review status: criteria provided, single submitter. Criteria: CeGaT Center For Human Genetics Tuebingen Variant Classification Criteria Version 2. Collection method: clinical testing. Allele origin: germline. Affected: yes. Observed: 1 variant allele.

Literature cited by the submitters: PubMed 33565190 (cited by 3billion and Ambry Genetics).